The following is an entry in ClinVar:

ClinVar aggregate classification (germline): Conflicting classifications of pathogenicity. Review status: criteria provided, conflicting classifications (1 of 4 stars). 6 submissions from 6 submitters: Uncertain significance (2); Likely benign (3). 1 of the submissions does not count toward it. Last evaluated 2026-01-28.

Conditions:
NTHL1-related disorder. Also called: NTHL1-related condition; NTHL1-related conditions.
Hereditary cancer-predisposing syndrome. Also called: Tumor predisposition; Hereditary neoplastic syndrome; Neoplastic Syndromes, Hereditary; Hereditary Cancer Syndrome. Identifiers: Orphanet 140162, MedGen C0027672, MeSH D009386, MONDO:0015356.

Allele frequency attached by ClinVar (database versions not stated): gnomAD exomes 0.00001; TOPMed 0.00002; ExAC 0.00003.
gnomAD v4.1: 16 of 1,611,202 alleles (0.00099%); highest among the groups gnomAD compares: East Asian, 0.0045%; no homozygotes.

Submissions (6):

Labcorp Genetics (formerly Invitae), Labcorp
Classification: Likely benign. Last evaluated: 2026-01-28. Review status: criteria provided, single submitter. Criteria: Invitae Variant Classification Sherloc (09022015). Collection method: clinical testing. Allele origin: germline.

Center for Genomic Medicine, Rigshospitalet, Copenhagen University Hospital
Classification: Uncertain significance. Last evaluated: 2025-03-04. Review status: criteria provided, single submitter. Criteria: ACMG Guidelines, 2015. Collection method: clinical testing. Allele origin: germline.

Sema4
Classification: Uncertain significance for Hereditary cancer-predisposing syndrome. Last evaluated: 2021-12-19. Review status: criteria provided, single submitter. Criteria: Sema4 Curation Guidelines. Collection method: curation. Allele origin: germline.
Comment: The NTHL1 c.645G>A (p.P215=) variant has not been reported in the literature to our knowledge. This variant was observed in 2/18366 chromosomes in the East Asian population according to the Genome Aggregation Database (PMID: 32461654). This variant has been reported in ClinVar (Variation ID 748652). In silico tools that predict the effect of sequence changes on splicing suggest that this variant may create a cryptic splice site, though these predictions have not been confirmed by functional studies. The overall evidence is insufficient to meet ACMG/AMP criteria for classifying it as benign or pathogenic. In summary, the clinical significance of this variant is currently uncertain.

GeneDx
Classification: Likely benign. Last evaluated: 2021-03-18. Review status: criteria provided, single submitter. Criteria: GeneDx Variant Classification Process June 2021. Collection method: clinical testing. Allele origin: germline. Affected: yes.

Ambry Genetics
Classification: Likely benign for Hereditary cancer-predisposing syndrome. Last evaluated: 2020-08-31. Review status: criteria provided, single submitter. Criteria: Ambry Variant Classification Scheme 2023. Collection method: clinical testing. Allele origin: germline.

PreventionGenetics, part of Exact Sciences
Classification: Likely benign for NTHL1-related condition. Last evaluated: 2024-07-11. Review status: no assertion criteria provided. Collection method: clinical testing. Allele origin: germline. Not counted in ClinVar's aggregate classification.
Comment: This variant is classified as likely benign based on ACMG/AMP sequence variant interpretation guidelines (Richards et al. 2015 PMID: 25741868, with internal and published modifications).

NM_002528.7(NTHL1):c.621G>A (p.Pro207=)

Gene: NTHL1 (nth like DNA glycosylase 1; minus strand). Cytogenetic location: 16p13.3.
Variant type: single nucleotide variant.
Coding change: c.621G>A on transcript NM_002528.7 (MANE Select); coding-DNA position 621, G replaced by A.
Protein change: p.Pro207=; no amino-acid change (proline 207 retained).
Molecular consequence: synonymous variant.
Genome position (GRCh38, 1-based): chr16:2,043,631, C>T on the plus strand (G>A on the coding strand, the complement: NTHL1 is on the minus strand). VCF-style: chr16-2043631-C-T. GRCh37 (hg19) VCF-style: chr16-2093632-C-T.
Other names: c.450G>A, p.Pro150= (NM_001318193.2); c.291G>A, p.Pro97= (NM_001318194.2).
Identifiers: ClinVar variation 748652 (VCV000748652.23), dbSNP rs745383145, ClinGen allele CA7828188.
Genomic context (GRCh38, chr16:2,043,631, plus strand): 5'-GCCTGACACAGTGCCCCAGGCCACAGCCATAGCCAGGTGTGCCATCTTGGGCCCAACACC[C>T]GGCAGCGCCACCAGCTCGGCCACAGAGGCTGGGATGTCCCCACCGTAGTGCTGCTGCAGG-3'
Protein context (NP_002519.2, residues 197-217): PASVAELVAL[Pro207=]GVGPKMAHLA